The following is an entry in ClinVar:

NM_003060.4(SLC22A5):c.196A>C (p.Thr66Pro)

Gene: SLC22A5 (solute carrier family 22 member 5; plus strand). Cytogenetic location: 5q31.1.
Variant type: single nucleotide variant.
Coding change: c.196A>C on transcript NM_003060.4 (MANE Select); coding-DNA position 196, A replaced by C.
Protein change: p.Thr66Pro; replaces threonine 66 with proline.
Molecular consequence: missense variant.
Genome position (GRCh38, 1-based): chr5:132,370,168, A>C. VCF-style: chr5-132370168-A-C. GRCh37 (hg19) VCF-style: chr5-131705860-A-C.
Other names: c.196A>C, p.Thr66Pro (NM_001308122.2); short protein forms T66P.
Identifiers: ClinVar variation 1056294 (VCV001056294.8), dbSNP rs1476076948, ClinGen allele CA360802572.

ClinVar aggregate classification (germline): Conflicting classifications of pathogenicity. Review status: criteria provided, conflicting classifications (1 of 4 stars). 2 submissions from 2 submitters: Likely pathogenic (1); Uncertain significance (1). Last evaluated 2025-01-28.

Conditions:
Renal carnitine transport defect (CDSP). Also called: Systemic primary carnitine deficiency; Systemic primary carnitine deficiency disease; Primary carnitine deficiency; Carnitine transporter deficiency; Carnitine Deficiency, Systemic; CARNITINE DEFICIENCY, SYSTEMIC, DUE TO DEFECT IN RENAL REABSORPTION OF CARNITINE. Identifiers: Orphanet 158, MedGen C0342788, MONDO:0008919, OMIM 212140.

Submissions (2):

Women's Health and Genetics/Laboratory Corporation of America, LabCorp
Classification: Likely pathogenic for Renal carnitine transport defect. Last evaluated: 2025-01-28. Review status: criteria provided, single submitter. Criteria: LabCorp Variant Classification Summary - May 2015. Collection method: clinical testing. Allele origin: germline.
Comment: Variant summary: SLC22A5 c.196A>C (p.Thr66Pro) results in a non-conservative amino acid change in the encoded protein sequence. Three of five in-silico tools predict a benign effect of the variant on protein function. The variant was absent in 226482 control chromosomes. c.196A>C has been reported in the literature in individuals with positive newborn screens for Systemic Primary Carnitine Deficiency (Li_2010, Frigeni_2017). These report(s) do not provide unequivocal conclusions about association of the variant with Systemic Primary Carnitine Deficiency. At least one publication reports experimental evidence evaluating an impact on protein function. The most pronounced variant effect results in <10% of normal activity (Frigeni_2017). The following publications have been ascertained in the context of this evaluation (PMID: 28841266, 20574985). ClinVar contains an entry for this variant (Variation ID: 1056294). Based on the evidence outlined above, the variant was classified as likely pathogenic.

Labcorp Genetics (formerly Invitae), Labcorp
Classification: Uncertain significance for Renal carnitine transport defect. Last evaluated: 2022-06-27. Review status: criteria provided, single submitter. Criteria: Invitae Variant Classification Sherloc (09022015). Collection method: clinical testing. Allele origin: germline.
Comment: This sequence change replaces threonine, which is neutral and polar, with proline, which is neutral and non-polar, at codon 66 of the SLC22A5 protein (p.Thr66Pro). This variant is not present in population databases (gnomAD no frequency). This missense change has been observed in individual(s) with primary carnitinedeficiency (PMID: 20574985, 26828774, 28841266). ClinVar contains an entry for this variant (Variation ID: 1056294). Algorithms developed to predict the effect of missense changes on protein structure and function (SIFT, PolyPhen-2, Align-GVGD) all suggest that this variant is likely to be tolerated. Experimental studies have shown that this missense change affects SLC22A5 function (PMID: 28841266). In summary, the available evidence is currently insufficient to determine the role of this variant in disease. Therefore, it has been classified as a Variant of Uncertain Significance.

Literature cited by the submitters: PubMed 20574985 (cited by Women's Health and Genetics/Laboratory Corporation of America, LabCorp and Labcorp Genetics (formerly Invitae), Labcorp); PubMed 28841266 (cited by Women's Health and Genetics/Laboratory Corporation of America, LabCorp and Labcorp Genetics (formerly Invitae), Labcorp); PubMed 26828774 (cited by Labcorp Genetics (formerly Invitae), Labcorp).